The following is an entry in ClinVar:

ClinVar aggregate classification (germline): Likely pathogenic (1 of 4 stars; one submission).

Conditions:
Autosomal recessive nonsyndromic hearing loss 37. Identifiers: Orphanet 90636, MedGen C1843028, MONDO:0011912, OMIM 607821.
Autosomal dominant nonsyndromic hearing loss 22. Also called: DFNA 22; Autosomal dominant nonsyndromic deafness 22. Identifiers: Orphanet 228012, MedGen C2931767, MONDO:0011660, OMIM 606346.

Submission:

Juno Genomics, Hangzhou Juno Genomics, Inc
Classification: Likely pathogenic for Autosomal dominant nonsyndromic hearing loss 22; Autosomal recessive nonsyndromic hearing loss 37. Review status: criteria provided, single submitter. Criteria: ACMG Guidelines, 2015. Collection method: clinical testing. Allele origin: germline.
Comment: Absent from controls (or at extremely low frequency if recessive) in Genome Aggregation Database.;Null variant in a gene where loss of function (LOF) is a known mechanism of disease.

NM_004999.4(MYO6):c.2078-2A>C

Gene: MYO6 (myosin VI; plus strand). Cytogenetic location: 6q14.1.
Variant type: single nucleotide variant.
Coding change: c.2078-2A>C on transcript NM_004999.4 (MANE Select); the canonical splice acceptor site of the intron before coding-DNA position 2078, A replaced by C.
Molecular consequence: splice acceptor variant.
Genome position (GRCh38, 1-based): chr6:75,879,818, A>C. VCF-style: chr6-75879818-A-C. GRCh37 (hg19) VCF-style: chr6-76589535-A-C.
Other names: c.2078-2A>C (NM_001368865.1, NM_001368866.1, NM_001368137.1 and 2 more transcripts); c.2063-2A>C (NM_001368138.1).
Identifiers: ClinVar variation 5018673 (VCV005018673.2).